The following is an entry in ClinVar:

NM_021930.6(RINT1):c.1317G>T (p.Leu439Phe)

Gene: RINT1 (RAD50 interactor 1; plus strand). Cytogenetic location: 7q22.3.
Variant type: single nucleotide variant.
Coding change: c.1317G>T on transcript NM_021930.6 (MANE Select); coding-DNA position 1317, G replaced by T.
Protein change: p.Leu439Phe; replaces leucine 439 with phenylalanine.
Molecular consequence: missense variant. On other transcripts: non-coding transcript variant (1).
Genome position (GRCh38, 1-based): chr7:105,550,470, G>T. VCF-style: chr7-105550470-G-T. GRCh37 (hg19) VCF-style: chr7-105190917-G-T.
Other names: c.1083G>T, p.Leu361Phe (NM_001346599.2); c.294G>T, p.Leu98Phe (NM_001346600.2, NM_001346603.2); c.393G>T, p.Leu131Phe (NM_001346601.2); short protein forms L361F, L439F, L131F, L98F.
Identifiers: ClinVar variation 2563349 (VCV002563349.3), dbSNP rs150180546, ClinGen allele CA4426641.

ClinVar aggregate classification (germline): Uncertain significance (1 of 4 stars; one submission).

gnomAD v4.1: 1 of 1,613,344 alleles (0.000062%); highest among the groups gnomAD compares: African/African-American, 0.0013%; no homozygotes.

Submission:

Ambry Genetics
Classification: Uncertain significance. Last evaluated: 2025-12-13. Review status: criteria provided, single submitter. Criteria: Ambry Variant Classification Scheme 2023. Collection method: clinical testing. Allele origin: germline.
Comment: The p.L439F variant (also known as c.1317G>T), located in coding exon 9 of the RINT1 gene, results from a G to T substitution at nucleotide position 1317. The leucine at codon 439 is replaced by phenylalanine, an amino acid with highly similar properties. This amino acid position is conserved. In addition, the in silico prediction for this alteration is inconclusive. Since supporting evidence is limited at this time, the clinical significance of this alteration remains unclear.